The following is an entry in ClinVar:

NM_024996.7(GFM1):c.295G>T (p.Gly99Ter)

Gene: GFM1 (G elongation factor mitochondrial 1; plus strand). Cytogenetic location: 3q25.32.
Variant type: single nucleotide variant.
Coding change: c.295G>T on transcript NM_024996.7 (MANE Select); coding-DNA position 295, G replaced by T.
Protein change: p.Gly99Ter; replaces glycine 99 with a stop codon.
Molecular consequence: nonsense. On other transcripts: non-coding transcript variant (3), intron variant (4).
Genome position (GRCh38, 1-based): chr3:158,646,225, G>T. VCF-style: chr3-158646225-G-T. GRCh37 (hg19) VCF-style: chr3-158364014-G-T.
Other names: c.295G>T, p.Gly99Ter (NM_001308164.2, NM_001308166.2, NM_001374355.1 and 1 more transcripts); c.70G>T, p.Gly24Ter (NM_001374357.1); c.5+444G>T (NM_001374359.1, NM_001374360.1, NM_001374361.1); c.234+444G>T (NM_001374358.1); short protein forms G24*, G99*.
Identifiers: ClinVar variation 2833536 (VCV002833536.3), dbSNP rs2473938187, ClinGen allele CA355175553.
Genomic context (GRCh38, chr3:158,646,225, plus strand): 5'-GTGAAAGGTAAAGATGGAGTTGGTGCTGTCATGGATTCCATGGAACTAGAGAGACAAAGA[G>T]GAATCACTATTCAGTCAGCAGCCACTTACACCATGTGGAAAGATGTCAATATTAACATTA-3'

ClinVar aggregate classification (germline): Pathogenic (1 of 4 stars; one submission).

Submission:

Labcorp Genetics (formerly Invitae), Labcorp
Classification: Pathogenic. Last evaluated: 2023-02-01. Review status: criteria provided, single submitter. Criteria: Invitae Variant Classification Sherloc (09022015). Collection method: clinical testing. Allele origin: germline.
Comment: For these reasons, this variant has been classified as Pathogenic. This variant has not been reported in the literature in individuals affected with GFM1-related conditions. This variant is not present in population databases (gnomAD no frequency). This sequence change creates a premature translational stop signal (p.Gly99*) in the GFM1 gene. It is expected to result in an absent or disrupted protein product. Loss-of-function variants in GFM1 are known to be pathogenic (PMID: 16632485, 17160893).

Literature cited by the submitters: PubMed 16632485; PubMed 17160893.